The following is an entry in ClinVar:

NM_015450.3(POT1):c.870G>C (p.Lys290Asn)

Gene: POT1 (protection of telomeres 1; minus strand). Cytogenetic location: 7q31.33.
Variant type: single nucleotide variant.
Coding change: c.870G>C on transcript NM_015450.3 (MANE Select); coding-DNA position 870, G replaced by C.
Protein change: p.Lys290Asn; replaces lysine 290 with asparagine.
Molecular consequence: missense variant. On other transcripts: non-coding transcript variant (3).
Genome position (GRCh38, 1-based): chr7:124,851,951, C>G on the plus strand (G>C on the coding strand, the complement: POT1 is on the minus strand). VCF-style: chr7-124851951-C-G. GRCh37 (hg19) VCF-style: chr7-124492005-C-G.
Other names: c.477G>C, p.Lys159Asn (NM_001042594.2); short protein forms K159N, K290N.
Identifiers: ClinVar variation 3687797 (VCV003687797.2).
Genomic context (GRCh38, chr7:124,851,951, plus strand): 5'-TTCTGATTGACAGATAACATCTGAATGCTGATTGGCTGTCAAATTTGCAGATTCTAAATC[C>G]CTATAATTGAAAGAATACAATTTCAAATTGCATAAAACAAAGTCAATATAGTAAATTTAG-3'
Protein context (NP_056265.2, residues 280-300): ESNSDVDQLK[Lys290Asn]DLESANLTAN

ClinVar aggregate classification (germline): Uncertain significance (1 of 4 stars; one submission).

Conditions:
Tumor predisposition syndrome 3 (TPDS3). Also called: Glioma susceptibility 9; LONG TELOMERE SYNDROME, POT1-RELATED; POT1 Tumor Predisposition; Melanoma, cutaneous malignant, susceptibility to, 10. Identifiers: Orphanet 618, MedGen C4014476, MONDO:0014368, OMIM 615848.

Submission:

Labcorp Genetics (formerly Invitae), Labcorp
Classification: Uncertain significance for Tumor predisposition syndrome 3. Last evaluated: 2026-01-05. Review status: criteria provided, single submitter. Criteria: Invitae Variant Classification Sherloc (09022015). Collection method: clinical testing. Allele origin: germline.
Comment: This sequence change replaces lysine, which is basic and polar, with asparagine, which is neutral and polar, at codon 290 of the POT1 protein (p.Lys290Asn). This variant is not present in population databases (gnomAD no frequency). This variant has not been reported in the literature in individuals affected with POT1-related conditions. ClinVar contains an entry for this variant (Variation ID: 3687797). An algorithm developed to predict the effect of missense changes on protein structure and function (PolyPhen-2) suggests that this variant is likely to be tolerated. In summary, the available evidence is currently insufficient to determine the role of this variant in disease. Therefore, it has been classified as a Variant of Uncertain Significance.